The following is an entry in ClinVar:

ClinVar aggregate classification (germline): Uncertain significance (1 of 4 stars; one submission).

Conditions:
Birt-Hogg-Dube syndrome. Also called: Birt Hogg Dubé syndrome. Identifiers: Orphanet 122, MedGen C0346010, MONDO:0800444.

Submission:

Labcorp Genetics (formerly Invitae), Labcorp
Classification: Uncertain significance for Birt-Hogg-Dube syndrome. Last evaluated: 2025-07-30. Review status: criteria provided, single submitter. Criteria: Invitae Variant Classification Sherloc (09022015). Collection method: clinical testing. Allele origin: germline.
Comment: This sequence change replaces valine, which is neutral and non-polar, with alanine, which is neutral and non-polar, at codon 390 of the FLCN protein (p.Val390Ala). This variant is not present in population databases (gnomAD no frequency). This variant has not been reported in the literature in individuals affected with FLCN-related conditions. ClinVar contains an entry for this variant (Variation ID: 2767415). Invitae Evidence Modeling of protein sequence and biophysical properties (such as structural, functional, and spatial information, amino acid conservation, physicochemical variation, residue mobility, and thermodynamic stability) indicates that this missense variant is not expected to disrupt FLCN protein function with a negative predictive value of 80%. In summary, the available evidence is currently insufficient to determine the role of this variant in disease. Therefore, it has been classified as a Variant of Uncertain Significance.

NM_144997.7(FLCN):c.1169T>C (p.Val390Ala)

Gene: FLCN (folliculin; minus strand). Cytogenetic location: 17p11.2.
Variant type: single nucleotide variant.
Coding change: c.1169T>C on transcript NM_144997.7 (MANE Select); coding-DNA position 1169, T replaced by C.
Protein change: p.Val390Ala; replaces valine 390 with alanine.
Molecular consequence: missense variant.
Genome position (GRCh38, 1-based): chr17:17,217,076, A>G on the plus strand (T>C on the coding strand, the complement: FLCN is on the minus strand). VCF-style: chr17-17217076-A-G. GRCh37 (hg19) VCF-style: chr17-17120390-A-G.
Other names: c.1223T>C, p.Val408Ala (NM_001353229.2); c.1169T>C, p.Val390Ala (NM_001353230.2, NM_001353231.2); short protein forms V390A, V408A.
Identifiers: ClinVar variation 2767415 (VCV002767415.3), dbSNP rs2544172124, ClinGen allele CA398532113.
Genomic context (GRCh38, chr17:17,217,076, plus strand): 5'-GCACCAGGCCAATACTGCCCTGCGCCGCACACCTAAGGAAAAGATGTTCTCACCCGAAGT[A>G]CTTCAAAAGCTGACTGGACGAGGTCCACGTCTCTGCTTTTCCAGATCACCTGGTTCCCCA-3'
Protein context (NP_659434.2, residues 380-400): DVDLVQSAFE[Val390Ala]LRTMLPVGCV